The following is an entry in ClinVar:

NM_001145809.2(MYH14):c.91C>T (p.Pro31Ser)

Gene: MYH14 (myosin heavy chain 14; plus strand). Cytogenetic location: 19q13.33.
Variant type: single nucleotide variant.
Coding change: c.91C>T on transcript NM_001145809.2 (MANE Select); coding-DNA position 91, C replaced by T.
Protein change: p.Pro31Ser; replaces proline 31 with serine.
Molecular consequence: missense variant.
Genome position (GRCh38, 1-based): chr19:50,210,456, C>T. VCF-style: chr19-50210456-C-T. GRCh37 (hg19) VCF-style: chr19-50713713-C-T.
Other names: c.91C>T, p.Pro31Ser (NM_001077186.2, NM_024729.4); short protein forms P31S.
Identifiers: ClinVar variation 930985 (VCV000930985.3), dbSNP rs590722, ClinGen allele CA406945758.

ClinVar aggregate classification (germline): Uncertain significance (1 of 4 stars; one submission).

Conditions:
Peripheral neuropathy-myopathy-hoarseness-hearing loss syndrome. Identifiers: Orphanet 397744, MedGen C3280556, MONDO:0013711, OMIM 614369.

gnomAD v4.1: 1 of 1,547,110 alleles (0.000065%); highest among the groups gnomAD compares: Non-Finnish European, 0.000087%; no homozygotes.

Submission:

Centre for Mendelian Genomics, University Medical Centre Ljubljana
Classification: Uncertain significance for Peripheral neuropathy-myopathy-hoarseness-hearing loss syndrome. Last evaluated: 2018-11-22. Review status: criteria provided, single submitter. Criteria: ACMG Guidelines, 2015. Collection method: clinical testing. Allele origin: unknown. Affected: yes.
Comment: This variant was classified as: Uncertain significance. The available evidence on this variant's pathogenicity is insufficient or conflicting. The following ACMG criteria were applied in classifying this variant: PM2.